The following is an entry in ClinVar:

ClinVar aggregate classification (germline): Uncertain significance (1 of 4 stars; one submission).

Allele frequency attached by ClinVar (database versions not stated): ExAC 0.00001; gnomAD exomes 0.00002; TOPMed 0.00002; gnomAD 0.00003.
gnomAD v4.1: 20 of 1,613,986 alleles (0.0012%); highest among the groups gnomAD compares: Non-Finnish European, 0.0016%; no homozygotes.

Submission:

GeneDx
Classification: Uncertain significance. Last evaluated: 2024-05-23. Review status: criteria provided, single submitter. Criteria: GeneDx Variant Classification Process June 2021. Collection method: clinical testing. Allele origin: germline.
Comment: In silico analysis indicates that this missense variant does not alter protein structure/function; Has not been previously published as pathogenic or benign to our knowledge

NM_020987.5(ANK3):c.12649A>G (p.Arg4217Gly)

Gene: ANK3 (ankyrin 3; minus strand). Cytogenetic location: 10q21.2.
Variant type: single nucleotide variant.
Coding change: c.12649A>G on transcript NM_020987.5 (MANE Select); coding-DNA position 12649, A replaced by G.
Protein change: p.Arg4217Gly; replaces arginine 4217 with glycine.
Molecular consequence: missense variant.
Genome position (GRCh38, 1-based): chr10:60,059,377, T>C on the plus strand (A>G on the coding strand, the complement: ANK3 is on the minus strand). VCF-style: chr10-60059377-T-C. GRCh37 (hg19) VCF-style: chr10-61819135-T-C.
Other names: c.2521A>G, p.Arg841Gly (NM_001149.4); c.5101A>G, p.Arg1701Gly (NM_001204403.2); c.5122A>G, p.Arg1708Gly (NM_001204404.2); c.5119A>G, p.Arg1707Gly (NM_001320874.2); short protein forms R1701G, R1707G, R1708G, R4217G, R841G.
Identifiers: ClinVar variation 2662724 (VCV002662724.2), dbSNP rs758136513, ClinGen allele CA5510768.